The following is an entry in ClinVar:

ClinVar aggregate classification (germline): Pathogenic. Review status: criteria provided, multiple submitters, no conflicts (2 of 4 stars). 6 submissions from 6 submitters: Pathogenic (5). 1 of the submissions does not count toward it. Last evaluated 2026-04-24.

Conditions:
Amelogenesis imperfecta type 1G (AI1G). Also called: ENAMEL-RENAL-GINGIVAL SYNDROME; AMELOGENESIS IMPERFECTA, HYPOPLASTIC, WITH NEPHROCALCINOSIS; Amelogenesis imperfecta-gingival hyperplasia syndrome; AMELOGENESIS IMPERFECTA, TYPE IG; AMELOGENESIS IMPERFECTA, HYPOPLASTIC, AND NEPHROCALCINOSIS; Amelogenesis imperfecta hypoplastic type, IG. Identifiers: Orphanet 1031, Orphanet 171836, MedGen C2931783, MONDO:0008771, OMIM 204690. Disease mechanism: loss of function.

Submissions (6):

GeneDx
Classification: Pathogenic. Last evaluated: 2026-04-24. Review status: criteria provided, single submitter. Criteria: GeneDx Variant Classification Process June 2021. Collection method: clinical testing. Allele origin: germline.
Comment: Frameshift variant predicted to result in protein truncation or nonsense mediated decay in a gene for which loss of function is a known mechanism of disease; This variant is associated with the following publications: (PMID: 28298625, 37228816, 37159186, 32835847, 21990045, 24927635, 23434854)

Revvity Omics, Revvity
Classification: Pathogenic for Amelogenesis imperfecta type 1G. Last evaluated: 2025-04-29. Review status: criteria provided, single submitter. Criteria: ACMG Guidelines, 2015. Collection method: clinical testing. Allele origin: germline.

Fulgent Genetics
Classification: Pathogenic for Amelogenesis imperfecta type 1G. Last evaluated: 2024-06-17. Review status: criteria provided, single submitter. Criteria: ACMG Guidelines, 2015. Collection method: clinical testing. Allele origin: germline.

Genomic Medicine Center of Excellence, King Faisal Specialist Hospital and Research Centre
Classification: Pathogenic for Amelogenesis imperfecta type 1G. Last evaluated: 2024-03-25. Review status: criteria provided, single submitter. Criteria: ACMG Guidelines, 2015. Collection method: research. Allele origin: germline.

Labcorp Genetics (formerly Invitae), Labcorp
Classification: Pathogenic. Last evaluated: 2022-09-13. Review status: criteria provided, single submitter. Criteria: Invitae Variant Classification Sherloc (09022015). Collection method: clinical testing. Allele origin: germline.
Comment: ClinVar contains an entry for this variant (Variation ID: 1029473). This premature translational stop signal has been observed in individual(s) with clinical features of enamel renal syndrome (PMID: 23434854). This variant is present in population databases (rs760163489, gnomAD 0.004%). This sequence change creates a premature translational stop signal (p.Phe305Leufs*76) in the FAM20A gene. It is expected to result in an absent or disrupted protein product. Loss-of-function variants in FAM20A are known to be pathogenic (PMID: 21990045, 23434854). Algorithms developed to predict the effect of sequence changes on RNA splicing suggest that this variant may create or strengthen a splice site. For these reasons, this variant has been classified as Pathogenic.

Clinical Laboratory Sciences Program (CLSP), King Saud bin Abdulaziz University for Health Sciences (KSAU-HS)
Classification: Pathogenic for Amelogenesis imperfecta type 1G. Last evaluated: 2023-04-01. Review status: no assertion criteria provided. Collection method: clinical testing. Allele origin: germline. Affected: yes. Not counted in ClinVar's aggregate classification.

Literature cited by the submitters: PubMed 23434854 (cited by Labcorp Genetics (formerly Invitae), Labcorp); PubMed 21990045 (cited by Labcorp Genetics (formerly Invitae), Labcorp).

NM_017565.4(FAM20A):c.915_918del (p.Phe305fs)

Genes: FAM20A (FAM20A golgi associated secretory pathway pseudokinase; minus strand), PRKAR1A (protein kinase cAMP-dependent type I regulatory subunit alpha; plus strand). Cytogenetic location: 17q24.2.
Variant type: Deletion.
Coding change: c.915_918del on transcript NM_017565.4 (MANE Select); coding-DNA positions 915 to 918, 4 bases deleted (CTTT; older notation c.915_918delCTTT).
Protein change: p.Phe305fs; shifts the reading frame from phenylalanine 305.
Molecular consequence: frameshift variant. On other transcripts: non-coding transcript variant (1), intron variant (1).
Genome position (GRCh38, 1-based): chr17:68,542,704-68,542,707, AAAG deleted on the plus strand (CTTT on the coding strand, the reverse complement: FAM20A is on the minus strand); deleting any 4 consecutive bases within chr17:68,542,704-68,542,710 gives the same sequence; the c. name uses the placement nearest the transcript's 3' end. VCF-style (leftmost placement, unchanged base first): chr17-68542703-CAAAG-C. GRCh37 (hg19) VCF-style: chr17-66538844-CAAAG-C.
Other names: c.501_504del, p.Phe167fs (NM_001243746.2); c.974-8377_974-8374del (NM_001276290.1); c.915_918del (NM_017565.3); short protein forms F167fs, F305fs.
Identifiers: ClinVar variation 1029473 (VCV001029473.31), dbSNP rs760163489, ClinGen allele CA8729879.
Genomic context (GRCh38, chr17:68,542,703, plus strand): 5'-CTGGCTTACGATCTACTCAGACCCGGAATATCACTCGGGCCAGTACTCTACCTGGAGAGA[CAAAG>C]AAAACACTCTGCAGGATTTCATTCTTGGTGACCTCTAGGATTTCCTTGGTGACATTTACT-3'